The following is an entry in ClinVar:

ClinVar aggregate classification (germline): Uncertain significance. Review status: criteria provided, multiple submitters, no conflicts (2 of 4 stars). 4 submissions from 4 submitters: Uncertain significance (3). 1 of the submissions does not count toward it. Last evaluated 2025-09-23.

Conditions:
MYO7A-related disorder. Also called: MYO7A-related disorders.
Usher syndrome type 1B (USH1B). Also called: Usher syndrome type IB. Identifiers: MedGen C1848638, MONDO:0700087.
Inborn genetic diseases. Identifiers: MedGen C0950123, MeSH D030342.

Allele frequency attached by ClinVar (database versions not stated): gnomAD 0.00001; TOPMed 0.00002; ExAC 0.00003; gnomAD exomes 0.00006; 1000 Genomes Project 30x 0.00016; 1000 Genomes Project 0.00020.
gnomAD v4.1: 44 of 1,569,410 alleles (0.0028%); highest among the groups gnomAD compares: South Asian, 0.012%; no homozygotes.

Submissions (4):

Labcorp Genetics (formerly Invitae), Labcorp
Classification: Uncertain significance. Last evaluated: 2025-09-23. Review status: criteria provided, single submitter. Criteria: Invitae Variant Classification Sherloc (09022015). Collection method: clinical testing. Allele origin: germline.
Comment: This sequence change replaces arginine, which is basic and polar, with glutamine, which is neutral and polar, at codon 1701 of the MYO7A protein (p.Arg1701Gln). This variant is present in population databases (rs544043266, gnomAD 0.01%). This variant has not been reported in the literature in individuals affected with MYO7A-related conditions. ClinVar contains an entry for this variant (Variation ID: 856899). Invitae Evidence Modeling of protein sequence and biophysical properties (such as structural, functional, and spatial information, amino acid conservation, physicochemical variation, residue mobility, and thermodynamic stability) indicates that this missense variant is not expected to disrupt MYO7A protein function with a negative predictive value of 95%. In summary, the available evidence is currently insufficient to determine the role of this variant in disease. Therefore, it has been classified as a Variant of Uncertain Significance.

PreventionGenetics, part of Exact Sciences
Classification: Uncertain significance for MYO7A-related condition. Last evaluated: 2025-09-04. Review status: criteria provided, single submitter. Criteria: ACMG Guidelines, 2015. Collection method: clinical testing. Allele origin: germline.
Comment: The MYO7A c.5102G>A variant is predicted to result in the amino acid substitution p.Arg1701Gln. To our knowledge, this variant has not been reported in the literature. This variant is reported in 0.013% of alleles in individuals of South Asian descent in gnomAD. At this time, the clinical significance of this variant is uncertain due to the absence of conclusive functional and genetic evidence.

Ambry Genetics
Classification: Uncertain significance for Inborn genetic diseases. Last evaluated: 2025-01-10. Review status: criteria provided, single submitter. Criteria: Ambry Variant Classification Scheme 2023. Collection method: clinical testing. Allele origin: germline.

Natera, Inc.
Classification: Uncertain significance for Usher syndrome type 1B. Last evaluated: 2020-08-06. Review status: no assertion criteria provided. Collection method: clinical testing. Allele origin: germline. Not counted in ClinVar's aggregate classification.

NM_000260.4(MYO7A):c.5102G>A (p.Arg1701Gln)

Gene: MYO7A (myosin VIIA; plus strand). Cytogenetic location: 11q13.5.
Variant type: single nucleotide variant.
Coding change: c.5102G>A on transcript NM_000260.4 (MANE Select); coding-DNA position 5102, G replaced by A.
Protein change: p.Arg1701Gln; replaces arginine 1701 with glutamine.
Molecular consequence: missense variant.
Genome position (GRCh38, 1-based): chr11:77,202,358, G>A. VCF-style: chr11-77202358-G-A. GRCh37 (hg19) VCF-style: chr11-76913403-G-A.
Other names: c.4988G>A, p.Arg1663Gln (NM_001127180.2); c.4955G>A, p.Arg1652Gln (NM_001369365.1); short protein forms R1652Q, R1701Q, R1663Q.
Identifiers: ClinVar variation 856899 (VCV000856899.9), dbSNP rs544043266, ClinGen allele CA6198621.